The following is an entry in ClinVar:

ClinVar aggregate classification (germline): Uncertain significance. Review status: criteria provided, multiple submitters, no conflicts (2 of 4 stars). 2 submissions from 2 submitters: Uncertain significance (2). Last evaluated 2025-06-04.

gnomAD v4.1: 7 of 1,613,638 alleles (0.00043%); highest among the groups gnomAD compares: Non-Finnish European, 0.00059%; no homozygotes.

Submissions (2):

Quest Diagnostics Nichols Institute San Juan Capistrano
Classification: Uncertain significance. Last evaluated: 2025-06-04. Review status: criteria provided, single submitter. Criteria: Quest Diagnostics criteria. Collection method: clinical testing. Allele origin: unknown.
Comment: The VWF c.5723G>C (p.Gly1908Ala) variant has been reported in the published literature in an individual with low VWF phenotype (PMID: 33556167 (2021)). The frequency of this variant in the general population (Genome Aggregation Database) is uninformative in the assessment of its pathogenicity. Analysis of this variant using bioinformatics tools for the prediction of the effect of amino acid changes on protein structure and function yielded predictions that this variant is damaging. Based on the available information, we are unable to determine the clinical significance of this variant.

Women's Health and Genetics/Laboratory Corporation of America, LabCorp
Classification: Uncertain significance. Last evaluated: 2025-01-20. Review status: criteria provided, single submitter. Criteria: LabCorp Variant Classification Summary - May 2015. Collection method: clinical testing. Allele origin: germline.
Comment: Variant summary: VWF c.5723G>C (p.Gly1908Ala) results in a non-conservative amino acid change in the encoded protein sequence. Four of five in-silico tools predict a damaging effect of the variant on protein function. The variant allele was found at a frequency of 8e-06 in 248682 control chromosomes. The available data on variant occurrences in the general population are insufficient to allow any conclusion about variant significance. c.5723G>C has been reported in the literature in individuals affected with Von Willebrand Disease without evidence of causality (e.g. Sadler_2021). These report(s) do not provide unequivocal conclusions about association of the variant with Von Willebrand Disease. To our knowledge, no experimental evidence demonstrating an impact on protein function has been reported. The following publication has been ascertained in the context of this evaluation (PMID: 33556167). No submitters have cited clinical-significance assessments for this variant to ClinVar. Based on the evidence outlined above, the variant was classified as uncertain significance.

Literature cited by the submitters: PubMed 33556167 (cited by Quest Diagnostics Nichols Institute San Juan Capistrano and Women's Health and Genetics/Laboratory Corporation of America, LabCorp).

NM_000552.5(VWF):c.5723G>C (p.Gly1908Ala)

Gene: VWF (von Willebrand factor; minus strand). Cytogenetic location: 12p13.31.
Variant type: single nucleotide variant.
Coding change: c.5723G>C on transcript NM_000552.5 (MANE Select); coding-DNA position 5723, G replaced by C.
Protein change: p.Gly1908Ala; replaces glycine 1908 with alanine.
Molecular consequence: missense variant.
Genome position (GRCh38, 1-based): chr12:6,011,736, C>G on the plus strand (G>C on the coding strand, the complement: VWF is on the minus strand). VCF-style: chr12-6011736-C-G. GRCh37 (hg19) VCF-style: chr12-6120902-C-G.
Other names: c.5723G>C (NM_000552.4); short protein forms G1908A.
Identifiers: ClinVar variation 3769522 (VCV003769522.3).